The following is an entry in ClinVar:

NM_001271.4(CHD2):c.4612T>G (p.Ser1538Ala)

Gene: CHD2 (chromodomain helicase DNA binding protein 2; plus strand). Cytogenetic location: 15q26.1.
Variant type: single nucleotide variant.
Coding change: c.4612T>G on transcript NM_001271.4 (MANE Select); coding-DNA position 4612, T replaced by G.
Protein change: p.Ser1538Ala; replaces serine 1538 with alanine.
Molecular consequence: missense variant.
Genome position (GRCh38, 1-based): chr15:93,012,364, T>G. VCF-style: chr15-93012364-T-G. GRCh37 (hg19) VCF-style: chr15-93555594-T-G.
Other names: short protein forms S1538A.
Identifiers: ClinVar variation 1365028 (VCV001365028.6), dbSNP rs2141885429, ClinGen allele CA393905002.

ClinVar aggregate classification (germline): Uncertain significance (1 of 4 stars; one submission).

Conditions:
Developmental and epileptic encephalopathy 94 (DEE94). Also called: CHD2-Related Neurodevelopmental Disorders; Epileptic encephalopathy, childhood-onset. Identifiers: Orphanet 1942, Orphanet 2382, MedGen C3809278, MONDO:0014150, OMIM 615369.

Submission:

Labcorp Genetics (formerly Invitae), Labcorp
Classification: Uncertain significance for Developmental and epileptic encephalopathy 94. Last evaluated: 2024-10-17. Review status: criteria provided, single submitter. Criteria: Invitae Variant Classification Sherloc (09022015). Collection method: clinical testing. Allele origin: germline.
Comment: This sequence change replaces serine, which is neutral and polar, with alanine, which is neutral and non-polar, at codon 1538 of the CHD2 protein (p.Ser1538Ala). This variant is not present in population databases (gnomAD no frequency). This variant has not been reported in the literature in individuals affected with CHD2-related conditions. ClinVar contains an entry for this variant (Variation ID: 1365028). Invitae Evidence Modeling of protein sequence and biophysical properties (such as structural, functional, and spatial information, amino acid conservation, physicochemical variation, residue mobility, and thermodynamic stability) indicates that this missense variant is not expected to disrupt CHD2 protein function with a negative predictive value of 95%. This variant disrupts the p.Ser1538 amino acid residue in CHD2. Other variant(s) that disrupt this residue have been determined to be pathogenic (internal data). This suggests that this residue is clinically significant, and that variants that disrupt this residue are likely to be disease-causing. In summary, the available evidence is currently insufficient to determine the role of this variant in disease. Therefore, it has been classified as a Variant of Uncertain Significance.